The following is an entry in ClinVar:

ClinVar aggregate classification (germline): Uncertain significance (1 of 4 stars; one submission).

Submission:

Women's Health and Genetics/Laboratory Corporation of America, LabCorp
Classification: Uncertain significance. Last evaluated: 2024-07-10. Review status: criteria provided, single submitter. Criteria: LabCorp Variant Classification Summary - May 2015. Collection method: clinical testing. Allele origin: germline.
Comment: Variant summary: BICRA c.3078C>T (p.Gly1026Gly) alters a conserved nucleotide located close to a canonical splice site and therefore could affect mRNA splicing, leading to a significantly altered protein sequence. Consensus agreement among computation tools predict no significant impact on normal splicing. However, these predictions have yet to be confirmed by functional studies. The variant was absent in 144170 control chromosomes. The available data on variant occurrences in the general population are insufficient to allow any conclusion about variant significance. To our knowledge, no occurrence of c.3078C>T in individuals affected with Coffin-Siris Syndrome 12 and no experimental evidence demonstrating its impact on protein function have been reported. No submitters have cited clinical-significance assessments for this variant to ClinVar. Based on the evidence outlined above, the variant was classified as uncertain significance.

NM_001394372.1(BICRA):c.3078C>T (p.Gly1026=)

Gene: BICRA (BRD4 interacting chromatin remodeling complex associated protein; plus strand). Cytogenetic location: 19q13.33.
Variant type: single nucleotide variant.
Coding change: c.3078C>T on transcript NM_001394372.1 (MANE Select); coding-DNA position 3078, C replaced by T.
Protein change: p.Gly1026=; no amino-acid change (glycine 1026 retained).
Molecular consequence: synonymous variant.
Genome position (GRCh38, 1-based): chr19:47,695,366, C>T. VCF-style: chr19-47695366-C-T. GRCh37 (hg19) VCF-style: chr19-48198623-C-T.
Other names: c.3078C>T, p.Gly1026= (NM_015711.3).
Identifiers: ClinVar variation 3338989 (VCV003338989.1).